The following is an entry in ClinVar:

NM_198994.3(TGM6):c.38G>A (p.Arg13Gln)

Gene: TGM6 (transglutaminase 6; plus strand). Cytogenetic location: 20p13.
Variant type: single nucleotide variant.
Coding change: c.38G>A on transcript NM_198994.3 (MANE Select); coding-DNA position 38, G replaced by A.
Protein change: p.Arg13Gln; replaces arginine 13 with glutamine.
Molecular consequence: missense variant.
Genome position (GRCh38, 1-based): chr20:2,394,482, G>A. VCF-style: chr20-2394482-G-A. GRCh37 (hg19) VCF-style: chr20-2375128-G-A.
Other names: c.38G>A, p.Arg13Gln (NM_001254734.2); short protein forms R13Q.
Identifiers: ClinVar variation 895318 (VCV000895318.18), dbSNP rs201694328, ClinGen allele CA9731522.

ClinVar aggregate classification (germline): Conflicting classifications of pathogenicity. Review status: criteria provided, conflicting classifications (1 of 4 stars). 5 submissions from 5 submitters: Uncertain significance (1); Likely benign (3). 1 of the submissions does not count toward it. Last evaluated 2026-06-01.

Conditions:
Spinocerebellar ataxia type 35. Identifiers: Orphanet 276193, MedGen C3888031, MONDO:0013485, OMIM 613908.
TGM6-related disorder. Also called: TGM6-related condition.

Allele frequency attached by ClinVar (database versions not stated): ExAC 0.00008; gnomAD exomes 0.00008 and 0.00014; gnomAD 0.00027 and 0.00028; TOPMed 0.00048; 1000 Genomes Project 30x 0.00062; 1000 Genomes Project 0.00080.
gnomAD v4.1: 179 of 1,611,596 alleles (0.011%); highest among the groups gnomAD compares: Admixed American, 0.098%; no homozygotes.

Submissions (5):

CeGaT Center for Human Genetics Tuebingen
Classification: Likely benign. Last evaluated: 2026-06-01. Review status: criteria provided, single submitter. Criteria: CeGaT Center For Human Genetics Tuebingen Variant Classification Criteria Version 2. Collection method: clinical testing. Allele origin: germline. Affected: yes. Observed: 1 variant allele.
Comment: TGM6: BP4, BS1

Labcorp Genetics (formerly Invitae), Labcorp
Classification: Likely benign. Last evaluated: 2025-10-05. Review status: criteria provided, single submitter. Criteria: Invitae Variant Classification Sherloc (09022015). Collection method: clinical testing. Allele origin: germline.

Revvity Omics, Revvity
Classification: Uncertain significance for Spinocerebellar ataxia type 35. Last evaluated: 2019-04-23. Review status: criteria provided, single submitter. Criteria: ACMG Guidelines, 2015. Collection method: clinical testing. Allele origin: germline.

Illumina Laboratory Services, Illumina
Classification: Likely benign for Spinocerebellar ataxia type 35. Last evaluated: 2018-01-13. Review status: criteria provided, single submitter. Criteria: ICSL Variant Classification Criteria 13 December 2019. Collection method: clinical testing. Allele origin: germline.
Comment: This variant was observed in the ICSL laboratory as part of a predisposition screen in an ostensibly healthy population. It had not been previously curated by ICSL or reported in the Human Gene Mutation Database (HGMD: prior to June 1st, 2018), and was therefore a candidate for classification through an automated scoring system. Utilizing variant allele frequency, disease prevalence and penetrance estimates, and inheritance mode, an automated score was calculated to assess if this variant is too frequent to cause the disease. Based on the score and internal cut-off values, a variant classified as likely benign is not then subjected to further curation. The score for this variant resulted in a classification of likely benign for this disease.

PreventionGenetics, part of Exact Sciences
Classification: Likely benign for TGM6-related condition. Last evaluated: 2023-03-22. Review status: no assertion criteria provided. Collection method: clinical testing. Allele origin: germline. Not counted in ClinVar's aggregate classification.
Comment: This variant is classified as likely benign based on ACMG/AMP sequence variant interpretation guidelines (Richards et al. 2015 PMID: 25741868, with internal and published modifications).